The following is an entry in ClinVar:

ClinVar aggregate classification (germline): Uncertain significance (1 of 4 stars; one submission).

Conditions:
Kabuki syndrome. Also called: NIIKAWA-KUROKI SYNDROME; Kabuki make-up syndrome. Identifiers: Orphanet 2322, MedGen C0796004, MONDO:0016512.

Submission:

Labcorp Genetics (formerly Invitae), Labcorp
Classification: Uncertain significance for Kabuki syndrome. Last evaluated: 2022-10-20. Review status: criteria provided, single submitter. Criteria: Invitae Variant Classification Sherloc (09022015). Collection method: clinical testing. Allele origin: germline.
Comment: In summary, the available evidence is currently insufficient to determine the role of this variant in disease. Therefore, it has been classified as a Variant of Uncertain Significance. Advanced modeling of protein sequence and biophysical properties (such as structural, functional, and spatial information, amino acid conservation, physicochemical variation, residue mobility, and thermodynamic stability) has been performed at Invitae for this missense variant, however the output from this modeling did not meet the statistical confidence thresholds required to predict the impact of this variant on KMT2D protein function. This sequence change replaces leucine, which is neutral and non-polar, with valine, which is neutral and non-polar, at codon 779 of the KMT2D protein (p.Leu779Val). This variant is not present in population databases (gnomAD no frequency). This variant has not been reported in the literature in individuals affected with KMT2D-related conditions.

NM_003482.4(KMT2D):c.2335C>G (p.Leu779Val)

Gene: KMT2D (lysine methyltransferase 2D; minus strand). Cytogenetic location: 12q13.12.
Variant type: single nucleotide variant.
Coding change: c.2335C>G on transcript NM_003482.4 (MANE Select); coding-DNA position 2335, C replaced by G.
Protein change: p.Leu779Val; replaces leucine 779 with valine.
Molecular consequence: missense variant.
Genome position (GRCh38, 1-based): chr12:49,051,348, G>C on the plus strand (C>G on the coding strand, the complement: KMT2D is on the minus strand). VCF-style: chr12-49051348-G-C. GRCh37 (hg19) VCF-style: chr12-49445131-G-C.
Other names: short protein forms L779V.
Identifiers: ClinVar variation 2179551 (VCV002179551.4), dbSNP rs1937988443, ClinGen allele CA384666468.